The following is an entry in ClinVar:

ClinVar aggregate classification (germline): Uncertain significance (1 of 4 stars; one submission).

Submission:

Labcorp Genetics (formerly Invitae), Labcorp
Classification: Uncertain significance. Last evaluated: 2025-09-08. Review status: criteria provided, single submitter. Criteria: Invitae Variant Classification Sherloc (09022015). Collection method: clinical testing. Allele origin: germline.
Comment: This sequence change falls in intron 22 of the CNGB1 gene. It does not directly change the encoded amino acid sequence of the CNGB1 protein. It affects a nucleotide within the consensus splice site. This variant is not present in population databases (gnomAD no frequency). This variant has not been reported in the literature in individuals affected with CNGB1-related conditions. ClinVar contains an entry for this variant (Variation ID: 2009992). Variants that disrupt the consensus splice site are a relatively common cause of aberrant splicing (PMID: 17576681, 9536098). Algorithms developed to predict the effect of sequence changes on RNA splicing suggest that this variant is not likely to affect RNA splicing. In summary, the available evidence is currently insufficient to determine the role of this variant in disease. Therefore, it has been classified as a Variant of Uncertain Significance.

Literature cited by the submitters: PubMed 17576681; PubMed 9536098.

NM_001297.5(CNGB1):c.2217+4T>C

Gene: CNGB1 (cyclic nucleotide gated channel subunit beta 1; minus strand). Cytogenetic location: 16q21.
Variant type: single nucleotide variant.
Coding change: c.2217+4T>C on transcript NM_001297.5 (MANE Select); 4 bases into the intron after coding-DNA position 2217, T replaced by C.
Molecular consequence: intron variant.
Genome position (GRCh38, 1-based): chr16:57,916,125, A>G on the plus strand (T>C on the coding strand, the complement: CNGB1 is on the minus strand). VCF-style: chr16-57916125-A-G. GRCh37 (hg19) VCF-style: chr16-57950029-A-G.
Other names: c.2199+4T>C (NM_001286130.2).
Identifiers: ClinVar variation 2009992 (VCV002009992.4), dbSNP rs2544631881, ClinGen allele CA2580091767.